The following is an entry in ClinVar:

ClinVar aggregate classification (germline): Uncertain significance (1 of 4 stars; one submission).

Conditions:
Hereditary nonpolyposis colorectal neoplasms. Identifiers: MedGen C0009405, MeSH D003123.

Submission:

Labcorp Genetics (formerly Invitae), Labcorp
Classification: Uncertain significance for Hereditary nonpolyposis colorectal neoplasms. Last evaluated: 2018-06-18. Review status: criteria provided, single submitter. Criteria: Invitae Variant Classification Sherloc (09022015). Collection method: clinical testing. Allele origin: germline.
Comment: This sequence change replaces proline with histidine at codon 55 of the MSH6 protein (p.Pro55His). The proline residue is weakly conserved and there is a moderate physicochemical difference between proline and histidine. While this variant is not present in population databases, the frequency information is unreliable, as metrics indicate poor data quality at this position in the ExAC database. This variant has not been reported in the literature in individuals with MSH6-related disease. Algorithms developed to predict the effect of missense changes on protein structure and function (SIFT, PolyPhen-2, Align-GVGD) all suggest that this variant is likely to be tolerated, but these predictions have not been confirmed by published functional studies and their clinical significance is uncertain. In summary, the available evidence is currently insufficient to determine the role of this variant in disease. Therefore, it has been classified as a Variant of Uncertain Significance.

NM_000179.3(MSH6):c.164C>A (p.Pro55His)

Gene: MSH6 (mutS homolog 6; plus strand). Cytogenetic location: 2p16.3.
Variant type: single nucleotide variant.
Coding change: c.164C>A on transcript NM_000179.3 (MANE Select); coding-DNA position 164, C replaced by A.
Protein change: p.Pro55His; replaces proline 55 with histidine.
Molecular consequence: missense variant. On other transcripts: 5 prime UTR variant (1).
Genome position (GRCh38, 1-based): chr2:47,783,397, C>A. VCF-style: chr2-47783397-C-A. GRCh37 (hg19) VCF-style: chr2-48010536-C-A.
Other names: c.164C>A, p.Pro55His (NM_001281492.2); c.-573C>A (NM_001281493.2); short protein forms P55H.
Identifiers: ClinVar variation 581249 (VCV000581249.9), dbSNP rs1342218617, ClinGen allele CA346734975.